The following is an entry in ClinVar:

NM_000441.2(SLC26A4):c.1341+1G>A

Gene: SLC26A4 (solute carrier family 26 member 4; plus strand). Cytogenetic location: 7q22.3.
Variant type: single nucleotide variant.
Coding change: c.1341+1G>A on transcript NM_000441.2 (MANE Select); the canonical splice donor site of the intron after coding-DNA position 1341, G replaced by A.
Molecular consequence: splice donor variant.
Genome position (GRCh38, 1-based): chr7:107,694,481, G>A. VCF-style: chr7-107694481-G-A. GRCh37 (hg19) VCF-style: chr7-107334926-G-A.
Other names: c.1341+1G>A (NM_000441.1).
Identifiers: ClinVar variation 1452465 (VCV001452465.7), dbSNP rs376653349, ClinGen allele CA368840477.

ClinVar aggregate classification (germline): Pathogenic. Review status: criteria provided, multiple submitters, no conflicts (2 of 4 stars). 2 submissions from 2 submitters: Pathogenic (2). Last evaluated 2024-09-12.

Conditions:
Pendred syndrome (PDS). Also called: THYROID DYSHORMONOGENESIS 2B; THYROID HORMONOGENESIS, GENETIC DEFECT IN, 2B; DEAFNESS WITH GOITER; GOITER-DEAFNESS SYNDROME; HYPOTHYROIDISM, CONGENITAL, DUE TO DYSHORMONOGENESIS, 2B; Pendred Syndrome (PDS). Identifiers: Orphanet 705, MedGen C0271829, MONDO:0010134, OMIM 274600.

Submissions (2):

Natera, Inc.
Classification: Pathogenic for Pendred syndrome. Last evaluated: 2024-09-12. Review status: criteria provided, single submitter. Criteria: Natera Variant Classification Schema (03/2026). Collection method: clinical testing. Allele origin: germline.
Comment: The c.1341+1G>A variant in SLC26A4 is a canonical splice donor site variant predicted to affect pre-mRNA splicing, which may result in an abnormal transcript and altered protein product. This variant is expected to result in nonsense mediated decay, truncation, or a dysfunctional protein product. This variant is rare in the general population with a frequency below the threshold expected for the associated phenotype(s). Another variant at this same site results in an alteration predicted to cause a similar molecular effect has been observed in individual(s) with the associated phenotype. Given the available evidence, this variant is classified as Pathogenic.

Labcorp Genetics (formerly Invitae), Labcorp
Classification: Pathogenic. Last evaluated: 2021-11-27. Review status: criteria provided, single submitter. Criteria: Invitae Variant Classification Sherloc (09022015). Collection method: clinical testing. Allele origin: germline.
Comment: For these reasons, this variant has been classified as Pathogenic. Algorithms developed to predict the effect of sequence changes on RNA splicing suggest that this variant may disrupt the consensus splice site. Disruption of this splice site has been observed in individuals with SLC26A4-related conditions (PMID: 16570074, 24224479). This variant is not present in population databases (gnomAD no frequency). This sequence change affects a donor splice site in intron 11 of the SLC26A4 gene. It is expected to disrupt RNA splicing. Variants that disrupt the donor or acceptor splice site typically lead to a loss of protein function (PMID: 16199547), and loss-of-function variants in SLC26A4 are known to be pathogenic (PMID: 16283880, 25394566, 26252218, 26445815).

Literature cited by the submitters: PubMed 16570074 (cited by Labcorp Genetics (formerly Invitae), Labcorp); PubMed 24224479 (cited by Labcorp Genetics (formerly Invitae), Labcorp); PubMed 16199547 (cited by Labcorp Genetics (formerly Invitae), Labcorp); PubMed 16283880 (cited by Labcorp Genetics (formerly Invitae), Labcorp); PubMed 25394566 (cited by Labcorp Genetics (formerly Invitae), Labcorp); PubMed 26252218 (cited by Labcorp Genetics (formerly Invitae), Labcorp); PubMed 26445815 (cited by Labcorp Genetics (formerly Invitae), Labcorp).